The following is an entry in ClinVar:

NM_182914.3(SYNE2):c.20583G>A (p.Leu6861=)

Gene: SYNE2 (spectrin repeat containing nuclear envelope protein 2; plus strand). Cytogenetic location: 14q23.2.
Variant type: single nucleotide variant.
Coding change: c.20583G>A on transcript NM_182914.3 (MANE Select); coding-DNA position 20583, G replaced by A.
Protein change: p.Leu6861=; no amino-acid change (leucine 6861 retained).
Molecular consequence: synonymous variant.
Genome position (GRCh38, 1-based): chr14:64,225,385, G>A. VCF-style: chr14-64225385-G-A. GRCh37 (hg19) VCF-style: chr14-64692103-G-A.
Other names: c.20583G>A (NM_182914.2); c.20517G>A, p.Leu6839= (NM_015180.6); c.1149G>A, p.Leu383= (NM_182910.2); c.1530G>A, p.Leu510= (NM_182913.4).
Identifiers: ClinVar variation 1164135 (VCV001164135.11), dbSNP rs146695165, ClinGen allele CA7224958.

ClinVar aggregate classification (germline): Benign. Review status: criteria provided, single submitter (1 of 4 stars). 2 submissions from 2 submitters: Benign (1). 1 of the submissions does not count toward it. Last evaluated 2025-11-05.

Conditions:
Emery-Dreifuss muscular dystrophy 5, autosomal dominant (EDMD5). Also called: EMERY-DREIFUSS MUSCULAR DYSTROPHY 5. Identifiers: Orphanet 261, MedGen C2751805, MONDO:0013072, OMIM 612999.
SYNE2-related disorder. Also called: SYNE2-related condition.

Allele frequency attached by ClinVar (database versions not stated): ESP Exome Variant Server 0.00031; gnomAD 0.00034 and 0.00036; TOPMed 0.00040; 1000 Genomes Project 0.00060; 1000 Genomes Project 30x 0.00062.
gnomAD v4.1: 84 of 1,614,090 alleles (0.0052%); highest among the groups gnomAD compares: African/African-American, 0.11%; no homozygotes.

Submissions (2):

Labcorp Genetics (formerly Invitae), Labcorp
Classification: Benign for Emery-Dreifuss muscular dystrophy 5, autosomal dominant. Last evaluated: 2025-11-05. Review status: criteria provided, single submitter. Criteria: Invitae Variant Classification Sherloc (09022015). Collection method: clinical testing. Allele origin: germline.

PreventionGenetics, part of Exact Sciences
Classification: Likely benign for SYNE2-related condition. Last evaluated: 2021-01-02. Review status: no assertion criteria provided. Collection method: clinical testing. Allele origin: germline. Not counted in ClinVar's aggregate classification.
Comment: This variant is classified as likely benign based on ACMG/AMP sequence variant interpretation guidelines (Richards et al. 2015 PMID: 25741868, with internal and published modifications).